The following is an entry in ClinVar:

NM_001267550.2(TTN):c.77785C>T (p.Gln25929Ter)

Genes: TTN (titin; minus strand), TTN-AS1 (TTN antisense RNA 1; plus strand). Cytogenetic location: 2q31.2.
Variant type: single nucleotide variant.
Coding change: c.77785C>T on transcript NM_001267550.2 (MANE Select); coding-DNA position 77785, C replaced by T.
Protein change: p.Gln25929Ter; replaces glutamine 25929 with a stop codon.
Molecular consequence: nonsense.
Genome position (GRCh38, 1-based): chr2:178,568,347, G>A on the plus strand (C>T on the coding strand, the complement: TTN is on the minus strand). VCF-style: chr2-178568347-G-A. GRCh37 (hg19) VCF-style: chr2-179433074-G-A.
Other names: c.72862C>T, p.Gln24288Ter (NM_001256850.1); c.50590C>T, p.Gln16864Ter (NM_003319.4); c.70081C>T, p.Gln23361Ter (NM_133378.4); c.50965C>T, p.Gln16989Ter (NM_133432.3); c.51166C>T, p.Gln17056Ter (NM_133437.4); short protein forms Q17056*, Q25929*, Q23361*, Q24288*, Q16864*, Q16989*.
Identifiers: ClinVar variation 2128348 (VCV002128348.6), dbSNP rs758386212, ClinGen allele CA349604823.

ClinVar aggregate classification (germline): Likely pathogenic. Review status: criteria provided, multiple submitters, no conflicts (2 of 4 stars). 3 submissions from 3 submitters: Likely pathogenic (3). Last evaluated 2025-11-25.

Conditions:
Dilated cardiomyopathy 1G (CMD1G). Identifiers: Orphanet 154, MedGen C1858763, MONDO:0011400, OMIM 604145.
Autosomal recessive limb-girdle muscular dystrophy type 2J (LGMDR10). Also called: Limb-girdle muscular dystrophy, type 2J; MUSCULAR DYSTROPHY, LIMB-GIRDLE, AUTOSOMAL RECESSIVE 10. Identifiers: Orphanet 140922, MedGen C1837342, MONDO:0012127, OMIM 608807.
Cardiovascular phenotype. Identifiers: MedGen CN230736.

Submissions (3):

Labcorp Genetics (formerly Invitae), Labcorp
Classification: Likely pathogenic for Dilated cardiomyopathy 1G; Autosomal recessive limb-girdle muscular dystrophy type 2J. Last evaluated: 2025-11-25. Review status: criteria provided, single submitter. Criteria: Invitae Variant Classification Sherloc (09022015). Collection method: clinical testing. Allele origin: germline.
Comment: This sequence change creates a premature translational stop signal (p.Gln25929*) in the TTN gene. While this is not anticipated to result in nonsense mediated decay, it is expected to create a truncated TTN protein. This variant is not present in population databases (gnomAD no frequency). This premature translational stop signal has been observed in individual(s) with peripartum cardiomyopathy (internal data). ClinVar contains an entry for this variant (Variation ID: 2128348). This variant is located in the A band of TTN (PMID: 25589632). Truncating variants in this region are significantly overrepresented in patients affected with dilated cardiomyopathy (PMID: 25589632). Truncating variants in this region have also been reported in individuals affected with autosomal recessive centronuclear myopathy (PMID: 23975875). In summary, the currently available evidence indicates that the variant is pathogenic, but additional data are needed to prove that conclusively. Therefore, this variant has been classified as Likely Pathogenic.

Ambry Genetics
Classification: Likely pathogenic for Cardiovascular phenotype. Last evaluated: 2025-10-30. Review status: criteria provided, single submitter. Criteria: Ambry Variant Classification Scheme 2023. Collection method: clinical testing. Allele origin: germline.
Comment: The p.Q16864* variant (also known as c.50590C>T), located in coding exon 153 of the TTN gene, results from a C to T substitution at nucleotide position 50590. This changes the amino acid from a glutamine to a stop codon within coding exon 153. This exon is located in the A-band region of the N2-B isoform of the titin protein and is constitutively expressed in TTN transcripts (percent spliced in or PSI 100%). This variant is expected to result in loss of function by premature protein truncation or nonsense-mediated mRNA decay. While truncating variants in TTN are present in 1-3% of the general population, truncating variants in the A-band are the most common cause of dilated cardiomyopathy (Herman DS et al. N. Engl. J. Med., 2012 Feb;366:619-28; Roberts AM et al. Sci Transl Med, 2015 Jan;7:270ra6). TTN truncating variants encoded in constitutive exons (PSI >90%) have been found to be significantly associated with DCM regardless of their position in titin (Schafer S et al. Nat. Genet., 2017 01;49:46-53; Akhtar MM et al. Circ Heart Fail, 2020 Oct;13:e006832; Massier M et al. Clin Genet, 2025 Jan). This variant is considered to be rare based on population cohorts in the Genome Aggregation Database (gnomAD). Based on the majority of available evidence to date, this variant is likely to be pathogenic.

Revvity Omics, Revvity
Classification: Likely pathogenic. Last evaluated: 2024-06-17. Review status: criteria provided, single submitter. Criteria: ACMG Guidelines, 2015. Collection method: clinical testing. Allele origin: germline.

Literature cited by the submitters: PubMed 25589632 (cited by Labcorp Genetics (formerly Invitae), Labcorp); PubMed 23975875 (cited by Labcorp Genetics (formerly Invitae), Labcorp).